The following is an entry in ClinVar:

NM_004999.4(MYO6):c.2751dup (p.Gln918fs)

Gene: MYO6 (myosin VI; plus strand). Cytogenetic location: 6q14.1.
Variant type: Duplication.
Coding change: c.2751dup on transcript NM_004999.4 (MANE Select); coding-DNA position 2751, one base duplicated (A; older notation c.2751dupA).
Protein change: p.Gln918fs; shifts the reading frame from glutamine 918.
Molecular consequence: frameshift variant. On other transcripts: non-coding transcript variant (1).
Genome position (GRCh38, 1-based): chr6:75,890,149, A duplicated; the last of 9 consecutive A bases (chr6:75,890,141-75,890,149); duplicating any one gives the same sequence. VCF-style (leftmost placement, unchanged base first): chr6-75890140-G-GA. GRCh37 (hg19) VCF-style: chr6-76599857-G-GA.
Other names: NM_004999.4(MYO6):c.2751dup; p.Gln918fs; c.2751dupA (NM_004999.4, NM_004999.3); c.2751dup, p.Gln918fs (NM_001300899.2, NM_001368136.1, NM_001368137.1 and 2 more transcripts); c.2736dup, p.Gln913fs (NM_001368138.1); short protein forms Q918fs, Q913fs.
Identifiers: ClinVar variation 523937 (VCV000523937.29), dbSNP rs551348450, ClinGen allele CA3897446.
Genomic context (GRCh38, chr6:75,890,140, plus strand): 5'-AATCCAGAAAGAATATGATGCACTGGTTAAAAGCTCAGAGGAACTCCTCAGTGCATTACA[G>GA]AAAAAAAAACAGCAGGAAGAGGAAGCAGAAAGGCTGAGGCGTATTCAAGAAGAAATGGAA-3'

ClinVar aggregate classification (germline): Likely pathogenic. Review status: reviewed by expert panel (3 of 4 stars). 16 submissions from 15 submitters: Likely pathogenic (1). 15 of the submissions do not count toward it. Last evaluated 2023-07-25.

Conditions:
Monogenic hearing loss.
Essential tremor. Identifiers: MedGen C0270736, MONDO:0003233.
MYO6-related disorder. Also called: MYO6-related condition; MYO6-related disorders.
Autosomal dominant nonsyndromic hearing loss 22. Also called: DFNA 22; Autosomal dominant nonsyndromic deafness 22. Identifiers: Orphanet 228012, MedGen C2931767, MONDO:0011660, OMIM 606346.
Nonsyndromic genetic hearing loss. Also called: Non-syndromic genetic deafness; Nonsyndromic genetic deafness; Nonsyndromic hearing loss and deafness. Identifiers: Orphanet 87884, MedGen C5680182, MONDO:0019497.
Junctional epidermolysis bullosa with pyloric atresia. Also called: APLASIA CUTIS CONGENITA WITH GASTROINTESTINAL ATRESIA; Junctional Epidermolysis Bullosa- Pyloric Atresia Syndrome; CARMI SYNDROME; EB-PA-ACC; Epidermolysis bullosa, junctional, with pyloric atresia and aplasia cutis congenita; Epidermolysis bullosa junctionalis with pyloric atresia. Identifiers: Orphanet 79403, MedGen C5676875, MONDO:0009183, OMIM 226730.

Submissions 1 to 8 of 16:

ClinGen Hearing Loss Variant Curation Expert Panel
Classification: Likely pathogenic for Nonsyndromic genetic hearing loss. Last evaluated: 2023-07-25. Review status: reviewed by expert panel. Criteria: Clingen Hl Acmg Specifications Cdh23 Coch Gjb2 Kcnq4 Myo6 Myo7a Slc26a4 Tecta Ush2a V2. Collection method: curation. Allele origin: germline. Inheritance: Autosomal dominant inheritance.
Comment: The c.2751dup (p.Gln918fs) frameshift variant in MYO6 is predicted to cause a premature stop codon in biologically-relevant exon 26 of 35 total exons, leading to a truncated or absent protein in a gene where loss of function is an established mechanism of autosomal dominant hearing loss (PVS1; PMID: 30192042). The highest minor allele frequency in gnomAD v.2.1.1 was 0.048% (52/109484) of European (non-Finnish) population, but was noted to occur in a low complexity region where variant quality was dubious, so BS1 was not applied. It was observed in 2 probands with moderate sensorineural hearing loss, meeting PS4_Supporting (PMID: 25080041, 33297549). In summary, this variant is likely pathogenic for autosomal dominant nonsyndromic hearing loss based on the ACMG/AMP criteria applied as specified by the ClinGen Hearing Loss Expert Panel: PVS1, PS4_Supporting (ClinGen Hearing Loss VCEP specifications version 2; 7/25/2023).

PreventionGenetics, part of Exact Sciences
Classification: Likely pathogenic for MYO6-related condition. Last evaluated: 2026-08-24. Review status: criteria provided, single submitter. Criteria: ACMG Guidelines, 2015. Collection method: clinical testing. Allele origin: germline. Not counted in ClinVar's aggregate classification.
Comment: The MYO6 c.2751dupA variant is predicted to result in a frameshift and premature protein termination (p.Gln918Thrfs*24). This variant has previously been reported as causative for autosomal dominant nonsyndromic hearing loss in four individuals from three families with onset in childhood to the fifth decade (Kwon et al. 2014. PubMed ID: 25080041; Table S3, Azaiez et al. 2018. PubMed ID: 30245029; García-García et al. 2020. PubMed ID: 33297549). This variant has also been reported in the homozygous state in two individuals with nonsyndromic hearing loss, although age of onset and family history information was not provided (Elsayed et al. 2022. PubMed ID: 36056583). This variant is reported in 0.047% of alleles in individuals of European (Non-Finnish) descent in gnomAD. However, the c.2751dup variant is part of a mononucleotide repeat of nine adenosines, which makes this allele frequency estimate unreliable. Frameshift variants in MYO6 are expected to be pathogenic. This variant is interpreted as likely pathogenic by the ClinGen Hearing Loss Variant Curation Expert Panel in ClinVar (Variation ID: 523937). This variant is interpreted as likely pathogenic for autosomal dominant disorder.

Genetics Laboratory, Great Ormond Street Hospital NHS Foundation Trust, North Thames Genomic Laboratory Hub
Classification: Likely pathogenic for Monogenic hearing loss. Last evaluated: 2026-05-12. Review status: criteria provided, single submitter. Criteria: ACGS Best Practice Guidelines for Variant Classification in Rare Disease 2024 v1.2. Collection method: clinical testing. Allele origin: germline. Affected: yes. Not counted in ClinVar's aggregate classification.
Comment: PS4_supporting, PVS1_very-strong

Women's Health and Genetics/Laboratory Corporation of America, LabCorp
Classification: Pathogenic for MYO6-Related Disorders. Last evaluated: 2026-04-20. Review status: criteria provided, single submitter. Criteria: LabCorp Variant Classification Summary - May 2015. Collection method: clinical testing. Allele origin: germline. Not counted in ClinVar's aggregate classification.
Comment: Variant summary: MYO6 c.2751dupA (p.Gln918ThrfsX24) results in a premature termination codon, predicted to cause a truncation of the encoded protein or absence of the protein due to nonsense mediated decay, which are commonly known mechanisms for disease. The variant allele was found at a frequency of 0.0035 in 1431024 control chromosomes, predominantly at a frequency of 0.0042 within the Non-Finnish European subpopulation in the gnomAD database. The observed variant frequency within Non-Finnish European control individuals in the gnomAD database exceeds the estimated maximal expected allele frequency for disease-causing variants in MYO6. However, this region is noted to be low complexity in the gnomAD database, and the presence of this variant in a polyA[9] tract suggests that sequencing data may be unreliable. c.2751dupA has been observed in multiple heterozygous individual(s) affected with MYO6-Related Disorders (example, Gambojav_2024, Lee_2025). These report(s) do not provide unequivocal conclusions about association of the variant with MYO6-Related Disorders. To our knowledge, no experimental evidence demonstrating an impact on protein function has been reported. The following publications have been ascertained in the context of this evaluation (PMID: 39336818, 40592345). ClinVar contains an entry for this variant (Variation ID: 523937). Overall, we interpret this variant to be pathogenic when validated to be a true positive. Based on the evidence outlined above, the variant was classified as pathogenic.

Dasa
Classification: Likely pathogenic. Last evaluated: 2026-01-29. Review status: criteria provided, single submitter. Criteria: DASA Assertion Criteria. Collection method: clinical testing. Allele origin: germline. Not counted in ClinVar's aggregate classification.
Comment: NM_004999.4(MYO6):c.2751dup (p.Gln918Thrfs*24) is a frameshift variant in MYO6 predicted to alter the reading frame and introduce a premature termination codon and is predicted to result in an absent or altered protein product. Loss of function is an established disease mechanism for MYO6-associated disorders. This variant has been recurrently observed in individuals with MYO6-related disorders (PMID: 30192042; PMID: 25080041; PMID: 33297549). Also, this variant is rare in population databases. Based on the currently available evidence, this variant is classified as likely pathogenic.

Genomic Medicine Center of Excellence, King Faisal Specialist Hospital and Research Centre
Classification: Likely pathogenic for Autosomal dominant nonsyndromic hearing loss 22. Last evaluated: 2025-09-10. Review status: criteria provided, single submitter. Criteria: ACMG Guidelines, 2015. Collection method: clinical testing. Allele origin: germline. Not counted in ClinVar's aggregate classification.

Labcorp Genetics (formerly Invitae), Labcorp
Classification: Pathogenic. Last evaluated: 2025-08-22. Review status: criteria provided, single submitter. Criteria: Invitae Variant Classification Sherloc (09022015). Collection method: clinical testing. Allele origin: germline. Not counted in ClinVar's aggregate classification.
Comment: This sequence change creates a premature translational stop signal (p.Gln918Thrfs*24) in the MYO6 gene. It is expected to result in an absent or disrupted protein product. Loss-of-function variants in MYO6 are known to be pathogenic (PMID: 12687499, 18348273, 23767834, 25999546, 30582396). The frequency data for this variant in the population databases is considered unreliable, as metrics indicate poor data quality at this position in the gnomAD database. This premature translational stop signal has been observed in individual(s) with autosomal dominant non-syndromic hearing loss (PMID: 25080041). ClinVar contains an entry for this variant (Variation ID: 523937). For these reasons, this variant has been classified as Pathogenic.

3billion
Classification: Likely pathogenic for Autosomal dominant nonsyndromic hearing loss 22. Last evaluated: 2025-06-11. Review status: criteria provided, single submitter. Criteria: ACMG Guidelines, 2015. Collection method: clinical testing. Allele origin: germline. Affected: yes. Not counted in ClinVar's aggregate classification.
Comment: The variant is observed at an allele frequency greater than expected for the associated disorder in the gnomAD v4.1.0 dataset and therefore considered benign. Predicted Consequence/Location: Frameshift: predicted to result in a loss or disruption of normal protein function through nonsense-mediated decay (NMD) or protein truncation. Multiple pathogenic variants are reported downstream of the variant. The variant has been reported to co-segregate with the disease in at least 5 similarly affected relatives/individuals in the same family or similarly affected unrelated families (PMID: 25080041). The variant has been reported multiple times as an established pathogenic variant (ClinVar ID: VCV000523937 /PMID: 25080041 /3billion dataset). Therefore, this variant is classified as Likely pathogenic according to the recommendation of ACMG/AMP guideline.